The following is an entry in ClinVar:

ClinVar aggregate classification (germline): Likely pathogenic (0 of 4 stars; one submission).

Conditions:
Keratosis follicularis (DAR). Also called: Darier disease; Darier's disease. Identifiers: Orphanet 218, MedGen C0022595, MONDO:0007417, OMIM 124200.

Submission:

Medical Genetics Unit, Mauro Baschirotto Institute for Rare Disease
Classification: Likely pathogenic for Keratosis follicularis. Last evaluated: 2024-06-07. Review status: no assertion criteria provided. Collection method: provider interpretation. Allele origin: germline. Affected: yes. Observed: 1 variant allele.
Comment: The c.1060G>C (p.Gly354Arg) variant has not been published as a pathogenic variant, nor has it been reported as a benign variant to our knowledge. As far as we know, this variant has not been reported in the literature or in a large population database, indicating this variant is rare. Missense variants in this gene are a common cause of disease and they are underrepresented in the general population. This substitution occurs in P-domain at a position that is conserved across species. This sequence change replaces glycine, which is non-polar, with arginine, which is polar and basic, at codon 354 of the ATP2A2 protein. This novel missense variant was predicted as probably damaging by Polyphen2, deleterious by PROVEAN, damaging by FATHMM, probably damaging by PSEP, and is predicted to affect protein function by SIFT. Therefore, this variant is classified likely pathogenic.

NM_170665.4(ATP2A2):c.1060G>C (p.Gly354Arg)

Gene: ATP2A2 (ATPase sarcoplasmic/endoplasmic reticulum Ca2+ transporting 2; plus strand). Cytogenetic location: 12q24.11.
Variant type: single nucleotide variant.
Coding change: c.1060G>C on transcript NM_170665.4 (MANE Select); coding-DNA position 1060, G replaced by C.
Protein change: p.Gly354Arg; replaces glycine 354 with arginine.
Molecular consequence: missense variant.
Genome position (GRCh38, 1-based): chr12:110,327,982, G>C. VCF-style: chr12-110327982-G-C. GRCh37 (hg19) VCF-style: chr12-110765787-G-C.
Other names: c.955G>C, p.Gly319Arg (NM_001413013.1); c.1060G>C, p.Gly354Arg (NM_001413014.1, NM_001681.4); c.685G>C, p.Gly229Arg (NM_001413015.1); short protein forms G229R, G319R, G354R.
Identifiers: ClinVar variation 3359244 (VCV003359244.2).